The following is an entry in ClinVar:

ClinVar aggregate classification (germline): Uncertain significance (1 of 4 stars; one submission).

Conditions:
Ataxia-telangiectasia syndrome (AT). Also called: LOUIS-BAR SYNDROME; Cerebello-oculocutaneous telangiectasia; Immunodeficiency with ataxia telangiectasia; Ataxia telangiectasia (A-T); Ataxia-telangiectasia, complementation group D; AT, COMPLEMENTATION GROUP C. Identifiers: Orphanet 100, MedGen C0004135, MONDO:0008840, OMIM 208900.

Submission:

Labcorp Genetics (formerly Invitae), Labcorp
Classification: Uncertain significance for Ataxia-telangiectasia syndrome. Last evaluated: 2023-12-05. Review status: criteria provided, single submitter. Criteria: Invitae Variant Classification Sherloc (09022015). Collection method: clinical testing. Allele origin: germline.
Comment: This sequence change replaces arginine, which is basic and polar, with proline, which is neutral and non-polar, at codon 2459 of the ATM protein (p.Arg2459Pro). This variant is not present in population databases (gnomAD no frequency). This variant has not been reported in the literature in individuals affected with ATM-related conditions. An algorithm developed to predict the effect of missense changes on protein structure and function (PolyPhen-2) suggests that this variant is likely to be disruptive. In summary, the available evidence is currently insufficient to determine the role of this variant in disease. Therefore, it has been classified as a Variant of Uncertain Significance.

NM_000051.4(ATM):c.7376G>C (p.Arg2459Pro)

Genes: ATM (ATM serine/threonine kinase; plus strand), C11orf65 (chromosome 11 open reading frame 65; minus strand). Cytogenetic location: 11q22.3.
Variant type: single nucleotide variant.
Coding change: c.7376G>C on transcript NM_000051.4 (MANE Select); coding-DNA position 7376, G replaced by C.
Protein change: p.Arg2459Pro; replaces arginine 2459 with proline.
Molecular consequence: missense variant. On other transcripts: intron variant (2).
Genome position (GRCh38, 1-based): chr11:108,330,282, G>C. VCF-style: chr11-108330282-G-C. GRCh37 (hg19) VCF-style: chr11-108201009-G-C.
Other names: c.7376G>C, p.Arg2459Pro (NM_001351834.2); c.641-21211C>G (NM_001330368.2); c.*38+4938C>G (NM_001351110.2); short protein forms R2459P.
Identifiers: ClinVar variation 2775766 (VCV002775766.3), dbSNP rs1064796589, ClinGen allele CA382560010.